The following is an entry in ClinVar:

ClinVar aggregate classification (germline): Uncertain significance (1 of 4 stars; one submission).

Conditions:
Lethal polymalformative syndrome, Boissel type. Also called: GROWTH RETARDATION, DEVELOPMENTAL DELAY, AND FACIAL DYSMORPHISM. Identifiers: Orphanet 210144, MedGen C2752001, MONDO:0013050, OMIM 612938.

Allele frequency attached by ClinVar (database versions not stated): ExAC 0.00002; TOPMed 0.00006.
gnomAD v4.1: 47 of 1,613,974 alleles (0.0029%); highest among the groups gnomAD compares: African/African-American, 0.004%; no homozygotes.

Submission:

Illumina Laboratory Services, Illumina
Classification: Uncertain significance for Lethal polymalformative syndrome, Boissel type. Last evaluated: 2017-04-27. Review status: criteria provided, single submitter. Criteria: ICSL Variant Classification Criteria 13 December 2019. Collection method: clinical testing. Allele origin: germline.
Comment: This variant was observed as part of a predisposition screen in an ostensibly healthy population. A literature search was performed for the gene, cDNA change, and amino acid change (where applicable). Publications were found based on this search. However, the evidence from the literature, in combination with allele frequency data from public databases where available, was not sufficient to rule this variant in or out of causing disease. Therefore, this variant is classified as a variant of unknown significance.

Literature cited by the submitters: PubMed 19833892.

NM_001080432.3(FTO):c.1477G>T (p.Val493Phe)

Gene: FTO (FTO alpha-ketoglutarate dependent dioxygenase; plus strand). Cytogenetic location: 16q12.2.
Variant type: single nucleotide variant.
Coding change: c.1477G>T on transcript NM_001080432.3 (MANE Select); coding-DNA position 1477, G replaced by T.
Protein change: p.Val493Phe; replaces valine 493 with phenylalanine.
Molecular consequence: missense variant.
Genome position (GRCh38, 1-based): chr16:54,111,874, G>T. VCF-style: chr16-54111874-G-T. GRCh37 (hg19) VCF-style: chr16-54145786-G-T.
Other names: c.1507G>T, p.Val503Phe (NM_001363891.2); c.1540G>T, p.Val514Phe (NM_001363894.2); c.1459G>T, p.Val487Phe (NM_001363896.2); c.1399G>T, p.Val467Phe (NM_001363897.2); c.1363G>T, p.Val455Phe (NM_001363898.2, NM_001363899.2); c.1333G>T, p.Val445Phe (NM_001363900.2, NM_001363901.2); c.*77G>T (NM_001363903.2); c.964G>T, p.Val322Phe (NM_001363905.2); and 1 more; short protein forms V487F, V503F, V445F, V467F, V322F, V514F, V455F, V493F.
Identifiers: ClinVar variation 886842 (VCV000886842.4), dbSNP rs763703220, ClinGen allele CA8058642.